The following is an entry in ClinVar:

NM_176824.3(BBS7):c.1305+2T>A

Gene: BBS7 (Bardet-Biedl syndrome 7; minus strand). Cytogenetic location: 4q27.
Variant type: single nucleotide variant.
Coding change: c.1305+2T>A on transcript NM_176824.3 (MANE Select); the canonical splice donor site of the intron after coding-DNA position 1305, T replaced by A.
Molecular consequence: splice donor variant.
Genome position (GRCh38, 1-based): chr4:121,843,925, A>T on the plus strand (T>A on the coding strand, the complement: BBS7 is on the minus strand). VCF-style: chr4-121843925-A-T. GRCh37 (hg19) VCF-style: chr4-122765080-A-T.
Other names: c.1305+2T>A (NM_018190.4).
Identifiers: ClinVar variation 2025086 (VCV002025086.5), dbSNP rs2476490195, ClinGen allele CA358061229.

ClinVar aggregate classification (germline): Likely pathogenic. Review status: criteria provided, multiple submitters, no conflicts (2 of 4 stars). 2 submissions from 2 submitters: Likely pathogenic (2). Last evaluated 2023-04-24.

Conditions:
Bardet-Biedl syndrome (BBS). Identifiers: Orphanet 110, MedGen C0752166, MONDO:0015229.
BBS7-related disorder. Also called: BBS7-related condition.

Submissions (2):

Labcorp Genetics (formerly Invitae), Labcorp
Classification: Likely pathogenic for Bardet-Biedl syndrome. Last evaluated: 2023-04-24. Review status: criteria provided, single submitter. Criteria: Invitae Variant Classification Sherloc (09022015). Collection method: clinical testing. Allele origin: germline.
Comment: In summary, the currently available evidence indicates that the variant is pathogenic, but additional data are needed to prove that conclusively. Therefore, this variant has been classified as Likely Pathogenic. Algorithms developed to predict the effect of sequence changes on RNA splicing suggest that this variant may disrupt the consensus splice site. ClinVar contains an entry for this variant (Variation ID: 2025086). This variant has not been reported in the literature in individuals affected with BBS7-related conditions. This variant is not present in population databases (gnomAD no frequency). This sequence change affects a donor splice site in intron 12 of the BBS7 gene. It is expected to disrupt RNA splicing. Variants that disrupt the donor or acceptor splice site typically lead to a loss of protein function (PMID: 16199547), and loss-of-function variants in BBS7 are known to be pathogenic (PMID: 12567324, 19402160, 21209035, 31196119).

Blueprint Genetics
Classification: Likely pathogenic for BBS7-related disorders. Last evaluated: 2019-10-31. Review status: criteria provided, single submitter. Criteria: ACMG Guidelines, 2015. Collection method: clinical testing. Allele origin: germline. Affected: yes. Observed: 1 variant allele.

Literature cited by the submitters: PubMed 16199547 (cited by Labcorp Genetics (formerly Invitae), Labcorp); PubMed 12567324 (cited by Labcorp Genetics (formerly Invitae), Labcorp); PubMed 19402160 (cited by Labcorp Genetics (formerly Invitae), Labcorp); PubMed 21209035 (cited by Labcorp Genetics (formerly Invitae), Labcorp); PubMed 31196119 (cited by Labcorp Genetics (formerly Invitae), Labcorp).